The following is an entry in ClinVar:

ClinVar aggregate classification (germline): Uncertain significance. Review status: criteria provided, multiple submitters, no conflicts (2 of 4 stars). 2 submissions from 2 submitters: Uncertain significance (2). Last evaluated 2025-04-09.

Conditions:
Inborn genetic diseases. Identifiers: MedGen C0950123, MeSH D030342.

Allele frequency attached by ClinVar (database versions not stated): gnomAD 0.00003; ExAC 0.00005.

Submissions (2):

Ambry Genetics
Classification: Uncertain significance for Inborn genetic diseases. Last evaluated: 2025-04-09. Review status: criteria provided, single submitter. Criteria: Ambry Variant Classification Scheme 2023. Collection method: clinical testing. Allele origin: germline.

CeGaT Center for Human Genetics Tuebingen
Classification: Uncertain significance. Last evaluated: 2023-09-01. Review status: criteria provided, single submitter. Criteria: CeGaT Center For Human Genetics Tuebingen Variant Classification Criteria Version 2. Collection method: clinical testing. Allele origin: germline. Affected: yes. Observed: 1 variant allele.
Comment: FLG: PM2, BP4

NM_002016.2(FLG):c.8870C>A (p.Thr2957Asn)

Genes: CCDST (cervical cancer associated DHX9 suppressive transcript; plus strand), FLG (filaggrin; minus strand). Cytogenetic location: 1q21.3.
Variant type: single nucleotide variant.
Coding change: c.8870C>A on transcript NM_002016.2 (MANE Select); coding-DNA position 8870, C replaced by A.
Protein change: p.Thr2957Asn; replaces threonine 2957 with asparagine.
Molecular consequence: missense variant.
Genome position (GRCh38, 1-based): chr1:152,306,016, G>T on the plus strand (C>A on the coding strand, the complement: FLG is on the minus strand). VCF-style: chr1-152306016-G-T. GRCh37 (hg19) VCF-style: chr1-152278492-G-T.
Other names: short protein forms T2957N.
Identifiers: ClinVar variation 2383702 (VCV002383702.26), dbSNP rs780347465, ClinGen allele CA1103987.
Genomic context (GRCh38, chr1:152,306,016, plus strand): 5'-CTTTCTCCTGCACTTGATCTTGCCTGTTCATGGGATGATGCAGCCTGTCCACCAGAGGAA[G>T]TCTGTGTGTGACGAGTGCCTGATTGTCTGGAGCTGTCTGCAGAGTGCCCATGACCAGCTC-3'
Protein context (NP_002007.1, residues 2947-2967): SRQSGTRHTQ[Thr2957Asn]SSGGQAASSH